The following is an entry in ClinVar:

NM_001134363.3(RBM20):c.364C>A (p.Gln122Lys)

Gene: RBM20 (RNA binding motif protein 20; plus strand). Cytogenetic location: 10q25.2.
Variant type: single nucleotide variant.
Coding change: c.364C>A on transcript NM_001134363.3 (MANE Select); coding-DNA position 364, C replaced by A.
Protein change: p.Gln122Lys; replaces glutamine 122 with lysine.
Molecular consequence: missense variant.
Genome position (GRCh38, 1-based): chr10:110,780,973, C>A. VCF-style: chr10-110780973-C-A. GRCh37 (hg19) VCF-style: chr10-112540731-C-A.
Other names: short protein forms Q122K.
Identifiers: ClinVar variation 178978 (VCV000178978.14), dbSNP rs727504583, ClinGen allele CA183419.

ClinVar aggregate classification (germline): Conflicting classifications of pathogenicity. Review status: criteria provided, conflicting classifications (1 of 4 stars). 4 submissions from 4 submitters: Uncertain significance (3); Likely benign (1). Last evaluated 2025-11-18.

Conditions:
Cardiovascular phenotype. Identifiers: MedGen CN230736.
Dilated cardiomyopathy 1DD (CMD1DD). Identifiers: Orphanet 154, MedGen C2750995, MONDO:0013168, OMIM 613172.

Allele frequency attached by ClinVar (database versions not stated): TOPMed 0.00003.
gnomAD v4.1: 19 of 1,551,654 alleles (0.0012%); highest among the groups gnomAD compares: Admixed American, 0.029%; no homozygotes.

Submissions (4):

Labcorp Genetics (formerly Invitae), Labcorp
Classification: Likely benign for Dilated cardiomyopathy 1DD. Last evaluated: 2025-11-18. Review status: criteria provided, single submitter. Criteria: Invitae Variant Classification Sherloc (09022015). Collection method: clinical testing. Allele origin: germline.

Ambry Genetics
Classification: Uncertain significance for Cardiovascular phenotype. Last evaluated: 2025-03-14. Review status: criteria provided, single submitter. Criteria: Ambry Variant Classification Scheme 2023. Collection method: clinical testing. Allele origin: germline.
Comment: The p.Q122K variant (also known as c.364C>A), located in coding exon 2 of the RBM20 gene, results from a C to A substitution at nucleotide position 364. The glutamine at codon 122 is replaced by lysine, an amino acid with similar properties. This amino acid position is conserved. In addition, this alteration is predicted to be deleterious by in silico analysis. Based on the available evidence, the clinical significance of this variant remains unclear.

Fulgent Genetics
Classification: Uncertain significance for Dilated cardiomyopathy 1DD. Last evaluated: 2021-12-29. Review status: criteria provided, single submitter. Criteria: ACMG Guidelines, 2015. Collection method: clinical testing. Allele origin: unknown.

Laboratory for Molecular Medicine, Mass General Brigham Personalized Medicine
Classification: Uncertain significance. Last evaluated: 2013-05-17. Review status: criteria provided, single submitter. Criteria: LMM Criteria. Collection method: clinical testing. Allele origin: germline. Observed: 2 variant alleles.